The following is an entry in ClinVar:

ClinVar aggregate classification (germline): Uncertain significance (1 of 4 stars; one submission).

gnomAD v4.1: 6 of 1,604,970 alleles (0.00037%); highest among the groups gnomAD compares: East Asian, 0.0067%; no homozygotes.

Submission:

GeneDx
Classification: Uncertain significance. Last evaluated: 2024-07-03. Review status: criteria provided, single submitter. Criteria: GeneDx Variant Classification Process June 2021. Collection method: clinical testing. Allele origin: germline. Affected: yes.
Comment: In silico analysis indicates that this variant does not alter splicing; Has not been previously published as pathogenic or benign to our knowledge

NM_001916.5(CYC1):c.300C>T (p.Gly100=)

Gene: CYC1 (cytochrome c1; plus strand). Cytogenetic location: 8q24.3.
Variant type: single nucleotide variant.
Coding change: c.300C>T on transcript NM_001916.5 (MANE Select); coding-DNA position 300, C replaced by T.
Protein change: p.Gly100=; no amino-acid change (glycine 100 retained).
Molecular consequence: synonymous variant.
Genome position (GRCh38, 1-based): chr8:144,096,003, C>T. VCF-style: chr8-144096003-C-T. GRCh37 (hg19) VCF-style: chr8-145150906-C-T.
Identifiers: ClinVar variation 3393778 (VCV003393778.1).
Genomic context (GRCh38, chr8:144,096,003, plus strand): 5'-GGCTGTGAGTGCCAGTGACCTGGAGCTGCACCCCCCCAGCTATCCGTGGTCTCACCGTGG[C>T]CTCCTCTCTTCCTTGGACCACACCAGGTGTGCAGCTGGCTGGCTGGCTGGCAGCGGGAGG-3'
Protein context (NP_001907.3, residues 90-110): HPPSYPWSHR[Gly100=]LLSSLDHTSI